The following is an entry in ClinVar:

NM_018116.4(MSTO1):c.1367A>C (p.Gln456Pro)

Gene: MSTO1 (misato mitochondrial distribution and morphology regulator 1; plus strand). Cytogenetic location: 1q22.
Variant type: single nucleotide variant.
Coding change: c.1367A>C on transcript NM_018116.4 (MANE Select); coding-DNA position 1367, A replaced by C.
Protein change: p.Gln456Pro; replaces glutamine 456 with proline.
Molecular consequence: missense variant. On other transcripts: synonymous variant (3), non-coding transcript variant (6).
Genome position (GRCh38, 1-based): chr1:155,613,545, A>C. VCF-style: chr1-155613545-A-C. GRCh37 (hg19) VCF-style: chr1-155583336-A-C.
Other names: c.1367A>C, p.Gln456Pro (NM_001256532.1, NM_001256533.1, NM_001350772.1 and 1 more transcripts); c.1404A>C, p.Thr468= (NM_001350773.1, NM_001350774.1); c.1202A>C, p.Gln401Pro (NM_001350776.1); c.836A>C, p.Gln279Pro (NM_001350777.1, NM_001350778.1, NM_001350779.1); c.833A>C, p.Gln278Pro (NM_001350780.1, NM_001350781.1, NM_001350782.1 and 2 more transcripts); c.824A>C, p.Gln275Pro (NM_001350784.1, NM_001350785.1, NM_001350787.1 and 1 more transcripts); c.870A>C, p.Thr290= (NM_001350786.1); short protein forms Q275P, Q278P, Q279P, Q401P, Q456P.
Identifiers: ClinVar variation 1329804 (VCV001329804.2), dbSNP rs2148996393, ClinGen allele CA342760196.

ClinVar aggregate classification (germline): Uncertain significance (1 of 4 stars; one submission).

Submission:

GeneDx
Classification: Uncertain significance. Last evaluated: 2021-06-27. Review status: criteria provided, single submitter. Criteria: GeneDx Variant Classification Process June 2021. Collection method: clinical testing. Allele origin: germline. Affected: yes.
Comment: Not observed at significant frequency in large population cohorts (Lek et al., 2016); In silico analysis supports that this missense variant does not alter protein structure/function; Has not been previously published as pathogenic or benign to our knowledge; This variant is associated with the following publications: (PMID: 27535533)